The following is an entry in ClinVar:

NM_002485.5(NBN):c.1896del (p.Trp632fs)

Genes: NBN (nibrin; minus strand), LOC126860438 (MED14-independent group 3 enhancer GRCh37_chr8:90959982-90961181; plus strand). Cytogenetic location: 8q21.3.
Variant type: Deletion.
Coding change: c.1896del on transcript NM_002485.5 (MANE Select); coding-DNA position 1896, one base deleted (G; older notation c.1896delG).
Protein change: p.Trp632fs; shifts the reading frame from tryptophan 632.
Molecular consequence: frameshift variant.
Genome position (GRCh38, 1-based): chr8:89,947,842, C deleted on the plus strand (G on the coding strand, the reverse complement: NBN is on the minus strand); the first of 2 consecutive C bases (chr8:89,947,842-89,947,843); deleting either gives the same sequence. VCF-style (leftmost placement, unchanged base first): chr8-89947841-AC-A. GRCh37 (hg19) VCF-style: chr8-90960069-AC-A.
Other names: c.1650del, p.Trp550fs (NM_001024688.3); short protein forms W550fs, W632fs.
Identifiers: ClinVar variation 1726442 (VCV001726442.2), dbSNP rs2488209329, ClinGen allele CA2580079046.
Genomic context (GRCh38, chr8:89,947,841, plus strand): 5'-CCGTAAGCCAAATCTGTATAAAAATTAATAAAACGTTTCTCACAGATATTTCTTTAGCTG[AC>A]CATAGTGAGTCTTCCTTGAGTTCACGTTTCTTCCCAATTTCATTTTCTTGCTAAAGAAAT-3'

ClinVar aggregate classification (germline): Likely pathogenic (1 of 4 stars; one submission).

Conditions:
Microcephaly, normal intelligence and immunodeficiency (NBS). Also called: Ataxia telangiectasia variant V1; IMMUNODEFICIENCY, MICROCEPHALY, AND CHROMOSOMAL INSTABILITY; SEEMANOVA SYNDROME II; Immunodeficiency, microcephaly with normal intelligence; Nijmegen breakage syndrome; Microcephaly with normal intelligence immunodeficiency and lymphoreticular malignancies. Identifiers: Orphanet 647, MedGen C0398791, MONDO:0009623, OMIM 251260.

Submission:

Myriad Genetics, Inc.
Classification: Likely pathogenic for Microcephaly, normal intelligence and immunodeficiency. Last evaluated: 2021-12-17. Review status: criteria provided, single submitter. Criteria: Myriad Women's Health Autosomal Recessive and X-Linked Classification Criteria (2021). Collection method: clinical testing. Allele origin: unknown.
Comment: NM_002485.4(NBN):c.1896delG(W632Cfs*25) is expected to be pathogenic in the context of Nijmegen breakage syndrome. This variant is predicted to lead to an abnormal or absent protein product due to the creation of a premature termination codon in NBN, a gene where loss-of-function variants are known to be pathogenic. Please note: this variant was assessed in the context of healthy population screening.